The following is an entry in ClinVar:

ClinVar aggregate classification (germline): Benign/Likely benign. Review status: criteria provided, multiple submitters, no conflicts (2 of 4 stars). 11 submissions from 11 submitters: Benign (6); Likely benign (2). 3 of the submissions do not count toward it. Last evaluated 2026-02-04.

Conditions:
Jeune thoracic dystrophy. Also called: Infantile thoracic dystrophy; Thoracic pelvic phalangeal dystrophy; Jeune's syndrome; Chondroectodermal dysplasia-like syndrome; Short-rib thoracic dysplasia; Jeune syndrome. Identifiers: Orphanet 474, MedGen C0265275, MONDO:0018770.
Asphyxiating thoracic dystrophy 3. Also called: SHORT-RIB THORACIC DYSPLASIA 3 WITH OR WITHOUT POLYDACTYLY; POLYDACTYLY WITH NEONATAL CHONDRODYSTROPHY, TYPE I; SHORT-RIB THORACIC DYSPLASIA 3/6 WITH POLYDACTYLY, DIGENIC; Short rib polydactyly syndrome 2B; Saldino-Noonan Syndrome. Identifiers: Orphanet 474, Orphanet 93269, Orphanet 93270, Orphanet 93271, MedGen C0036069, MONDO:0013127, OMIM 613091.

Allele frequency attached by ClinVar (database versions not stated): 1000 Genomes Project 30x 0.04966; 1000 Genomes Project 0.04972; TOPMed 0.06540; ESP Exome Variant Server 0.06573; gnomAD 0.07031.

Submissions (11):

Labcorp Genetics (formerly Invitae), Labcorp
Classification: Benign for Jeune thoracic dystrophy. Last evaluated: 2026-02-04. Review status: criteria provided, single submitter. Criteria: Invitae Variant Classification Sherloc (09022015). Collection method: clinical testing. Allele origin: germline.

ARUP Laboratories, Molecular Genetics and Genomics, ARUP Laboratories
Classification: Benign for Asphyxiating thoracic dystrophy 3. Last evaluated: 2025-07-22. Review status: criteria provided, single submitter. Criteria: ARUP Molecular Germline Variant Investigation Process 2024. Collection method: clinical testing. Allele origin: germline.

Blueprint Genetics
Classification: Likely benign. Last evaluated: 2024-11-27. Review status: criteria provided, single submitter. Criteria: ACMG Guidelines, 2015. Collection method: clinical testing. Allele origin: germline.

Mayo Clinic Laboratories, Mayo Clinic
Classification: Benign. Last evaluated: 2022-03-09. Review status: criteria provided, single submitter. Criteria: ACMG Guidelines, 2015. Collection method: clinical testing. Allele origin: germline. Observed: 2 variant alleles.

Illumina Laboratory Services, Illumina
Classification: Benign for Asphyxiating thoracic dystrophy 3. Last evaluated: 2018-01-13. Review status: criteria provided, single submitter. Criteria: ICSL Variant Classification Criteria 13 December 2019. Collection method: clinical testing. Allele origin: germline.
Comment: This variant was observed in the ICSL laboratory as part of a predisposition screen in an ostensibly healthy population. It had not been previously curated by ICSL or reported in the Human Gene Mutation Database (HGMD: prior to June 1st, 2018), and was therefore a candidate for classification through an automated scoring system. Utilizing variant allele frequency, disease prevalence and penetrance estimates, and inheritance mode, an automated score was calculated to assess if this variant is too frequent to cause the disease. Based on the score and internal cut-off values, a variant classified as benign is not then subjected to further curation. The score for this variant resulted in a classification of benign for this disease.

GeneDx
Classification: Benign. Last evaluated: 2016-04-15. Review status: criteria provided, single submitter. Criteria: GeneDx Variant Classification (06012015). Collection method: clinical testing. Allele origin: germline. Affected: yes.
Comment: This variant is considered likely benign or benign based on one or more of the following criteria: it is a conservative change, it occurs at a poorly conserved position in the protein, it is predicted to be benign by multiple in silico algorithms, and/or has population frequency not consistent with disease.

Laboratory for Molecular Medicine, Mass General Brigham Personalized Medicine
Classification: Benign. Last evaluated: 2016-03-28. Review status: criteria provided, single submitter. Criteria: LMM Criteria. Collection method: clinical testing. Allele origin: germline.
Comment: Variant identified in a genome or exome case(s) and assessed due to predicted null impact of the variant or pathogenic assertions in the literature or databases. Disclaimer: This variant has not undergone full assessment. The following are preliminary notes: Frequency

Breakthrough Genomics
Classification: Likely benign. Review status: criteria provided, single submitter. Criteria: ACMG Guidelines, 2015. Collection method: not provided. Allele origin: germline. Inheritance: Autosomal recessive inheritance. Affected: yes.

Clinical Genetics DNA and cytogenetics Diagnostics Lab, Erasmus MC, Erasmus Medical Center
Classification: Benign. Review status: no assertion criteria provided. Collection method: clinical testing. Allele origin: germline. Affected: yes. Study: VKGL Data-share Consensus. Not counted in ClinVar's aggregate classification.

Diagnostic Laboratory, Department of Genetics, University Medical Center Groningen
Classification: Benign. Review status: no assertion criteria provided. Collection method: clinical testing. Allele origin: germline. Affected: yes. Study: VKGL Data-share Consensus. Not counted in ClinVar's aggregate classification.

Joint Genome Diagnostic Labs from Nijmegen and Maastricht, Radboudumc and MUMC+
Classification: Benign. Review status: no assertion criteria provided. Collection method: clinical testing. Allele origin: germline. Affected: yes. Study: VKGL Data-share Consensus. Not counted in ClinVar's aggregate classification.

NM_001377.3(DYNC2H1):c.12457-6C>T

Gene: DYNC2H1 (dynein cytoplasmic 2 heavy chain 1; plus strand). Cytogenetic location: 11q22.3.
Variant type: single nucleotide variant.
Coding change: c.12457-6C>T on transcript NM_001377.3 (MANE Select); 6 bases into the intron before coding-DNA position 12457, C replaced by T.
Molecular consequence: intron variant.
Genome position (GRCh38, 1-based): chr11:103,455,180, C>T. VCF-style: chr11-103455180-C-T. GRCh37 (hg19) VCF-style: chr11-103325908-C-T.
Other names: p.?; c.12478-6C>T (NM_001080463.2).
Identifiers: ClinVar variation 302124 (VCV000302124.40), dbSNP rs11225812, ClinGen allele CA6255579.